The following is an entry in ClinVar:

ClinVar aggregate classification (germline): Pathogenic (1 of 4 stars; one submission).

gnomAD v4.1: 3 of 1,599,064 alleles (0.00019%); highest among the groups gnomAD compares: Non-Finnish European, 0.00026%; no homozygotes.

Submission:

Labcorp Genetics (formerly Invitae), Labcorp
Classification: Pathogenic. Last evaluated: 2025-03-17. Review status: criteria provided, single submitter. Criteria: Invitae Variant Classification Sherloc (09022015). Collection method: clinical testing. Allele origin: germline.
Comment: This sequence change creates a premature translational stop signal (p.Tyr290*) in the ESRRB gene. It is expected to result in an absent or disrupted protein product. Loss-of-function variants in ESRRB are known to be pathogenic (PMID: 18179891). This variant is not present in population databases (gnomAD no frequency). This variant has not been reported in the literature in individuals affected with ESRRB-related conditions. For these reasons, this variant has been classified as Pathogenic.

Literature cited by the submitters: PubMed 18179891.

NM_001379180.1(ESRRB):c.933C>A (p.Tyr311Ter)

Gene: ESRRB (estrogen related receptor beta; plus strand). Cytogenetic location: 14q24.3.
Variant type: single nucleotide variant.
Coding change: c.933C>A on transcript NM_001379180.1 (MANE Select); coding-DNA position 933, C replaced by A.
Protein change: p.Tyr311Ter; replaces tyrosine 311 with a stop codon.
Molecular consequence: nonsense.
Genome position (GRCh38, 1-based): chr14:76,491,529, C>A. VCF-style: chr14-76491529-C-A. GRCh37 (hg19) VCF-style: chr14-76957872-C-A.
Other names: c.885C>A, p.Tyr295Ter (NM_001411038.1); c.870C>A, p.Tyr290Ter (NM_004452.4); short protein forms Y290*, Y295*, Y311*.
Identifiers: ClinVar variation 3606196 (VCV003606196.2).